The following is an entry in ClinVar:

ClinVar aggregate classification (germline): Uncertain significance. Review status: criteria provided, multiple submitters, no conflicts (2 of 4 stars). 2 submissions from 2 submitters: Uncertain significance (2). Last evaluated 2025-07-17.

Conditions:
Familial adenomatous polyposis 1 (FAP1). Also called: POLYPOSIS, ADENOMATOUS INTESTINAL; FAMILIAL ADENOMATOUS POLYPOSIS 1, ATTENUATED. Identifiers: MedGen C2713442, MONDO:0021056, OMIM 175100. Disease mechanism: loss of function.
Hereditary cancer-predisposing syndrome. Also called: Hereditary neoplastic syndrome; Neoplastic Syndromes, Hereditary; Tumor predisposition; Hereditary Cancer Syndrome. Identifiers: Orphanet 140162, MedGen C0027672, MeSH D009386, MONDO:0015356.

Submissions (2):

Labcorp Genetics (formerly Invitae), Labcorp
Classification: Uncertain significance for Familial adenomatous polyposis 1. Last evaluated: 2025-07-17. Review status: criteria provided, single submitter. Criteria: Invitae Variant Classification Sherloc (09022015). Collection method: clinical testing. Allele origin: germline.
Comment: This sequence change replaces leucine, which is neutral and non-polar, with phenylalanine, which is neutral and non-polar, at codon 234 of the APC protein (p.Leu234Phe). This variant is not present in population databases (gnomAD no frequency). This variant has not been reported in the literature in individuals affected with APC-related conditions. ClinVar contains an entry for this variant (Variation ID: 470073). Invitae Evidence Modeling of protein sequence and biophysical properties (such as structural, functional, and spatial information, amino acid conservation, physicochemical variation, residue mobility, and thermodynamic stability) indicates that this missense variant is not expected to disrupt APC protein function with a negative predictive value of 95%. In summary, the available evidence is currently insufficient to determine the role of this variant in disease. Therefore, it has been classified as a Variant of Uncertain Significance.

Ambry Genetics
Classification: Uncertain significance for Hereditary cancer-predisposing syndrome. Last evaluated: 2024-07-15. Review status: criteria provided, single submitter. Criteria: Ambry Variant Classification Scheme 2023. Collection method: clinical testing. Allele origin: germline.
Comment: The p.L234F variant (also known as c.700C>T), located in coding exon 6 of the APC gene, results from a C to T substitution at nucleotide position 700. The leucine at codon 234 is replaced by phenylalanine, an amino acid with highly similar properties. This amino acid position is highly conserved in available vertebrate species. In addition, in silico predictors for this gene do not accurately predict pathogenicity. Missense alterations in APC are not a common cause of disease (Spier I et al. Genet Med. 2024 Feb;26(2):100992). Based on the available evidence, the clinical significance of this variant remains unclear.

NM_000038.6(APC):c.700C>T (p.Leu234Phe)

Gene: APC (APC regulator of Wnt signaling pathway; plus strand). Cytogenetic location: 5q22.2.
Variant type: single nucleotide variant.
Coding change: c.700C>T on transcript NM_000038.6 (MANE Select); coding-DNA position 700, C replaced by T.
Protein change: p.Leu234Phe; replaces leucine 234 with phenylalanine.
Molecular consequence: missense variant. On other transcripts: 5 prime UTR variant (1), intron variant (2).
Genome position (GRCh38, 1-based): chr5:112,792,500, C>T. VCF-style: chr5-112792500-C-T. GRCh37 (hg19) VCF-style: chr5-112128197-C-T.
Other names: c.700C>T, p.Leu234Phe (NM_001127510.3, NM_001354895.2, NM_001354896.2 and 1 more transcripts); c.730C>T, p.Leu244Phe (NM_001354897.2, NM_001354902.2); c.625C>T, p.Leu209Phe (NM_001354898.2, NM_001354904.2); c.523C>T, p.Leu175Phe (NM_001354900.2, NM_001354901.2, NM_001354905.2); c.-336C>T (NM_001354906.2); c.676-8779C>T (NM_001127511.3); c.646-8779C>T (NM_001354899.2); short protein forms L234F, L244F, L175F, L209F.
Identifiers: ClinVar variation 470073 (VCV000470073.15), dbSNP rs1554074777, ClinGen allele CA16022865.